The following is an entry in ClinVar:

ClinVar aggregate classification (germline): Uncertain significance (1 of 4 stars; one submission).

Conditions:
AP1G1-related disorder. Also called: AP1G1-related condition.

Submission:

PreventionGenetics, part of Exact Sciences
Classification: Uncertain significance for AP1G1-related condition. Last evaluated: 2023-05-03. Review status: criteria provided, single submitter. Criteria: ACMG Guidelines, 2015. Collection method: clinical testing. Allele origin: germline.
Comment: The AP1G1 c.890delT variant is predicted to result in an in-frame deletion (p.Leu297fs). To our knowledge, this variant has not been reported in the literature or in a large population database, indicating this variant is rare. Although we suspect that this variant may be pathogenic, at this time, the clinical significance of this variant is uncertain due to the absence of conclusive functional and genetic evidence.

NM_001128.6(AP1G1):c.881del (p.Val293_Leu294insTer)

Gene: AP1G1 (adaptor related protein complex 1 subunit gamma 1; minus strand). Cytogenetic location: 16q22.2.
Variant type: Deletion.
Coding change: c.881del on transcript NM_001128.6 (MANE Select); coding-DNA position 881, one base deleted (T; older notation c.881delT).
Protein change: p.Val293_Leu294insTer.
Molecular consequence: nonsense.
Genome position (GRCh38, 1-based): chr16:71,764,387, A deleted on the plus strand (T on the coding strand, the reverse complement: AP1G1 is on the minus strand); the first of 4 consecutive A bases (chr16:71,764,387-71,764,390); deleting any one gives the same sequence. VCF-style (leftmost placement, unchanged base first): chr16-71764386-CA-C. GRCh37 (hg19) VCF-style: chr16-71798289-CA-C.
Other names: c.890del, p.Val296_Leu297insTer (NM_001030007.2).
Identifiers: ClinVar variation 2631916 (VCV002631916.1), dbSNP rs2543561744, ClinGen allele CA2634169513.